The following is an entry in ClinVar:

NM_000548.5(TSC2):c.2992G>T (p.Ala998Ser)

Gene: TSC2 (TSC complex subunit 2; plus strand). Cytogenetic location: 16p13.3.
Variant type: single nucleotide variant.
Coding change: c.2992G>T on transcript NM_000548.5 (MANE Select); coding-DNA position 2992, G replaced by T.
Protein change: p.Ala998Ser; replaces alanine 998 with serine.
Molecular consequence: missense variant.
Genome position (GRCh38, 1-based): chr16:2,079,057, G>T. VCF-style: chr16-2079057-G-T. GRCh37 (hg19) VCF-style: chr16-2129058-G-T.
Other names: c.2860G>T, p.Ala954Ser (NM_001077183.3, NM_001370404.1); c.2992G>T, p.Ala998Ser (NM_001114382.3); c.2752G>T, p.Ala918Ser (NM_001318827.2); c.2716G>T, p.Ala906Ser (NM_001318829.2); c.2260G>T, p.Ala754Ser (NM_001318831.2); c.2893G>T, p.Ala965Ser (NM_001318832.2); c.2863G>T, p.Ala955Ser (NM_001363528.2, NM_001370405.1, NM_021055.3); short protein forms A754S, A954S, A906S, A955S, A998S, A918S, A965S.
Identifiers: ClinVar variation 822458 (VCV000822458.18), dbSNP rs1440361406, ClinGen allele CA394283691.

ClinVar aggregate classification (germline): Conflicting classifications of pathogenicity. Review status: criteria provided, conflicting classifications (1 of 4 stars). 6 submissions from 6 submitters: Uncertain significance (5); Benign (1). Last evaluated 2025-12-23.

Conditions:
Hereditary cancer-predisposing syndrome. Also called: Hereditary Cancer Syndrome; Neoplastic Syndromes, Hereditary; Hereditary neoplastic syndrome; Tumor predisposition. Identifiers: Orphanet 140162, MedGen C0027672, MeSH D009386, MONDO:0015356.
Tuberous sclerosis syndrome (TSC). Also called: Tuberous Sclerosis Complex; Tuberous sclerosis. Identifiers: Orphanet 805, MedGen C0041341, MONDO:0001734.
Isolated focal cortical dysplasia type II (FCORD2). Also called: Focal cortical dysplasia type II; CORTICAL DYSPLASIA OF TAYLOR. Identifiers: Orphanet 268994, MedGen C1846385, MONDO:0011818, OMIM 607341, HP:0032051.
Tuberous sclerosis 2 (TSC2). Identifiers: Orphanet 805, MedGen C1860707, MONDO:0013199, OMIM 613254.

Allele frequency attached by ClinVar (database versions not stated): gnomAD exomes below 0.00001; TOPMed below 0.00001.
gnomAD v4.1: 2 of 1,612,866 alleles (0.00012%); highest among the groups gnomAD compares: Non-Finnish European, 0.000085%; no homozygotes.

Submissions (6):

Labcorp Genetics (formerly Invitae), Labcorp
Classification: Benign for Tuberous sclerosis 2. Last evaluated: 2025-12-23. Review status: criteria provided, single submitter. Criteria: Invitae Variant Classification Sherloc (09022015). Collection method: clinical testing. Allele origin: germline.

Ambry Genetics
Classification: Uncertain significance for Hereditary cancer-predisposing syndrome. Last evaluated: 2025-09-05. Review status: criteria provided, single submitter. Criteria: Ambry Variant Classification Scheme 2023. Collection method: clinical testing. Allele origin: germline.
Comment: The p.A998S variant (also known as c.2992G>T), located in coding exon 26 of the TSC2 gene, results from a G to T substitution at nucleotide position 2992. The alanine at codon 998 is replaced by serine, an amino acid with similar properties. This amino acid position is not well conserved in available vertebrate species. In addition, the in silico prediction for this alteration is inconclusive. Based on the available evidence, the clinical significance of this variant remains unclear.

All of Us Research Program, National Institutes of Health
Classification: Uncertain significance for Tuberous sclerosis syndrome. Last evaluated: 2023-12-18. Review status: criteria provided, single submitter. Criteria: ACMG Guidelines, 2015. Collection method: clinical testing. Allele origin: germline. Inheritance: Autosomal dominant inheritance. Observed: 2 variant alleles, 2 heterozygotes.
Comment: This missense variant replaces alanine with serine at codon 998 of the TSC2 protein. Computational prediction suggests that this variant may not impact protein structure and function (internally defined REVEL score threshold <= 0.5, PMID: 27666373). To our knowledge, functional studies have not been reported for this variant. This variant has not been reported in individuals affected with tuberous sclerosis complex in the literature. This variant has been identified in 1/250346 chromosomes in the general population by the Genome Aggregation Database (gnomAD). The available evidence is insufficient to determine the role of this variant in disease conclusively. Therefore, this variant is classified as a Variant of Uncertain Significance.

This study involves interpretation of variants in research participants for the purpose of population health screening. Participant phenotype was not available at the time of variant classification. Additional details can be found in publication PMID: 35346344, PMCID: PMC8962531

Baylor Genetics
Classification: Uncertain significance for Isolated focal cortical dysplasia type II. Last evaluated: 2023-10-27. Review status: criteria provided, single submitter. Criteria: ACMG Guidelines, 2015. Collection method: clinical testing. Allele origin: unknown.

Genome-Nilou Lab
Classification: Uncertain significance for Tuberous sclerosis 2. Last evaluated: 2021-11-07. Review status: criteria provided, single submitter. Criteria: ACMG Guidelines, 2015. Collection method: clinical testing. Allele origin: germline. Affected: no.

GeneDx
Classification: Uncertain significance. Last evaluated: 2021-06-30. Review status: criteria provided, single submitter. Criteria: GeneDx Variant Classification Process June 2021. Collection method: clinical testing. Allele origin: germline. Affected: yes.
Comment: Has not been previously published as pathogenic or benign to our knowledge; In silico analysis supports that this missense variant does not alter protein structure/function; In silico analysis, which includes splice predictors and evolutionary conservation, suggests this variant may impact gene splicing. In the absence of RNA/functional studies, the actual effect of this sequence change is unknown.; This variant is associated with the following publications: (PMID: 27535533)

Literature cited by the submitters: PubMed 27930734 (cited by Ambry Genetics).